The following is an entry in ClinVar:

NM_001184.4(ATR):c.1063A>G (p.Lys355Glu)

Gene: ATR (ATR checkpoint kinase; minus strand). Cytogenetic location: 3q23.
Variant type: single nucleotide variant.
Coding change: c.1063A>G on transcript NM_001184.4 (MANE Select); coding-DNA position 1063, A replaced by G.
Protein change: p.Lys355Glu; replaces lysine 355 with glutamic acid.
Molecular consequence: missense variant.
Genome position (GRCh38, 1-based): chr3:142,562,339, T>C on the plus strand (A>G on the coding strand, the complement: ATR is on the minus strand). VCF-style: chr3-142562339-T-C. GRCh37 (hg19) VCF-style: chr3-142281181-T-C.
Other names: c.1063A>G, p.Lys355Glu (NM_001354579.2); short protein forms K355E.
Identifiers: ClinVar variation 1780940 (VCV001780940.3), dbSNP rs2473425503, ClinGen allele CA354823835.

ClinVar aggregate classification (germline): Uncertain significance (1 of 4 stars; one submission).

Conditions:
Inborn genetic diseases. Identifiers: MedGen C0950123, MeSH D030342.

Submission:

Ambry Genetics
Classification: Uncertain significance for Inborn genetic diseases. Last evaluated: 2024-07-24. Review status: criteria provided, single submitter. Criteria: Ambry Variant Classification Scheme 2023. Collection method: clinical testing. Allele origin: germline.
Comment: The p.K355E variant (also known as c.1063A>G), located in coding exon 4 of the ATR gene, results from an A to G substitution at nucleotide position 1063. The lysine at codon 355 is replaced by glutamic acid, an amino acid with similar properties. This amino acid position is conserved. In addition, this alteration is predicted to be tolerated by in silico analysis. Since supporting evidence is limited at this time, the clinical significance of this alteration remains unclear.